The following is an entry in ClinVar:

NM_014889.4(PITRM1):c.3039G>A (p.Lys1013=)

Gene: PITRM1 (pitrilysin metallopeptidase 1; minus strand). Cytogenetic location: 10p15.2.
Variant type: single nucleotide variant.
Coding change: c.3039G>A on transcript NM_014889.4 (MANE Select); coding-DNA position 3039, G replaced by A.
Protein change: p.Lys1013=; no amino-acid change (lysine 1013 retained).
Molecular consequence: synonymous variant. On other transcripts: non-coding transcript variant (4).
Genome position (GRCh38, 1-based): chr10:3,138,106, C>T on the plus strand (G>A on the coding strand, the complement: PITRM1 is on the minus strand). VCF-style: chr10-3138106-C-T. GRCh37 (hg19) VCF-style: chr10-3180298-C-T.
Other names: c.3042G>A (NM_001242307.1); c.3042G>A, p.Lys1014= (NM_001242307.2); c.2745G>A, p.Lys915= (NM_001242309.1); c.2841G>A, p.Lys947= (NM_001347725.2); c.2226G>A, p.Lys742= (NM_001347726.2); c.2424G>A, p.Lys808= (NM_001347727.2); c.1734G>A, p.Lys578= (NM_001347728.2); c.3015G>A, p.Lys1005= (NM_001347729.1); and 1 more.
Identifiers: ClinVar variation 1600998 (VCV001600998.12), dbSNP rs10175, ClinGen allele CA5387026.

ClinVar aggregate classification (germline): Benign. Review status: criteria provided, multiple submitters, no conflicts (2 of 4 stars). 4 submissions from 4 submitters: Benign (3). 1 of the submissions does not count toward it. Last evaluated 2026-02-03.

Conditions:
PITRM1-related disorder. Also called: PITRM1-related condition.

Allele frequency attached by ClinVar (database versions not stated): 1000 Genomes Project 0.23562; 1000 Genomes Project 30x 0.23673; ESP Exome Variant Server 0.25839; gnomAD exomes 0.27018 and 0.27418; gnomAD 0.27021 and 0.27339; TOPMed 0.27167; ExAC 0.28685.

Submissions (4):

Labcorp Genetics (formerly Invitae), Labcorp
Classification: Benign. Last evaluated: 2026-02-03. Review status: criteria provided, single submitter. Criteria: Invitae Variant Classification Sherloc (09022015). Collection method: clinical testing. Allele origin: germline.

Blueprint Genetics
Classification: Benign. Last evaluated: 2024-11-27. Review status: criteria provided, single submitter. Criteria: ACMG Guidelines, 2015. Collection method: clinical testing. Allele origin: germline.

Breakthrough Genomics
Classification: Benign. Review status: criteria provided, single submitter. Criteria: ACMG Guidelines, 2015. Collection method: not provided. Allele origin: germline. Inheritance: Autosomal recessive inheritance. Affected: yes.

PreventionGenetics, part of Exact Sciences
Classification: Benign for PITRM1-related condition. Last evaluated: 2019-10-30. Review status: no assertion criteria provided. Collection method: clinical testing. Allele origin: germline. Not counted in ClinVar's aggregate classification.
Comment: This variant is classified as benign based on ACMG/AMP sequence variant interpretation guidelines (Richards et al. 2015 PMID: 25741868, with internal and published modifications).